The following is an entry in ClinVar:

NM_003680.4(YARS1):c.793A>G (p.Lys265Glu)

Genes: YARS1 (tyrosyl-tRNA synthetase 1; minus strand), LOC126805688 (BRD4-independent group 4 enhancer GRCh37_chr1:33251929-33253128; plus strand). Cytogenetic location: 1p35.1.
Variant type: single nucleotide variant.
Coding change: c.793A>G on transcript NM_003680.4 (MANE Select); coding-DNA position 793, A replaced by G.
Protein change: p.Lys265Glu; replaces lysine 265 with glutamic acid.
Molecular consequence: missense variant.
Genome position (GRCh38, 1-based): chr1:32,786,967, T>C on the plus strand (A>G on the coding strand, the complement: YARS1 is on the minus strand). VCF-style: chr1-32786967-T-C. GRCh37 (hg19) VCF-style: chr1-33252568-T-C.
Other names: short protein forms K265E.
Identifiers: ClinVar variation 3391267 (VCV003391267.2).

ClinVar aggregate classification (germline): Uncertain significance. Review status: criteria provided, multiple submitters, no conflicts (2 of 4 stars). 2 submissions from 2 submitters: Uncertain significance (2). Last evaluated 2024-10-03.

Conditions:
Charcot-Marie-Tooth disease dominant intermediate C (CMTDIC). Also called: CHARCOT-MARIE-TOOTH NEUROPATHY, DOMINANT INTERMEDIATE C. Identifiers: Orphanet 100045, MedGen C1842237, MONDO:0012012, OMIM 608323.

gnomAD v4.1: 1 of 1,614,118 alleles (0.000062%); highest among the groups gnomAD compares: South Asian, 0.0011%; no homozygotes.

Submissions (2):

GeneDx
Classification: Uncertain significance. Last evaluated: 2024-10-03. Review status: criteria provided, single submitter. Criteria: GeneDx Variant Classification Process June 2021. Collection method: clinical testing. Allele origin: germline. Affected: yes.
Comment: Not observed at significant frequency in large population cohorts (gnomAD); In silico analysis supports that this missense variant has a deleterious effect on protein structure/function; Has not been previously published as pathogenic or benign to our knowledge; This variant is associated with the following publications: (PMID: 16429158)

Neuberg Centre For Genomic Medicine, NCGM
Classification: Uncertain significance for Charcot-Marie-Tooth disease dominant intermediate C. Review status: criteria provided, single submitter. Criteria: ACMG Guidelines, 2015. Collection method: clinical testing. Allele origin: germline. Inheritance: Autosomal dominant inheritance. Affected: yes.
Comment: The observed missense c.793A>G p.Lys265Glu variant in YARS1 gene has not been reported previously as a pathogenic variant nor as a benign variant, to our knowledge. The p.Lys265Glu variant is absent in gnomAD Exomes. This variant has not been submitted to the ClinVar database. Computational evidence Polyphen - Possibly Damaging, SIFT - Tolerated and MutationTaster - Disease causing predicts conflicting evidence on protein structure and function for this variant. The reference amino acid of p.Lys265Glu in YARS1 is predicted as conserved by GERP++ and PhyloP across 100 vertebrates. The amino acid Lys at position 265 is changed to a Glu changing protein sequence and it might alter its composition and physico-chemical properties. For these reasons, this variant has been classified as a Variant of Uncertain Significance VUS.